The following is an entry in ClinVar:

NM_001367943.1(TCF7L2):c.1542G>A (p.Pro514=)

Gene: TCF7L2 (transcription factor 7 like 2; plus strand). Cytogenetic location: 10q25.3.
Variant type: single nucleotide variant.
Coding change: c.1542G>A on transcript NM_001367943.1 (MANE Select); coding-DNA position 1542, G replaced by A.
Protein change: p.Pro514=; no amino-acid change (proline 514 retained).
Molecular consequence: synonymous variant. On other transcripts: 3 prime UTR variant (12).
Genome position (GRCh38, 1-based): chr10:113,165,654, G>A. VCF-style: chr10-113165654-G-A. GRCh37 (hg19) VCF-style: chr10-114925413-G-A.
Other names: c.1491G>A, p.Pro497= (NM_001146274.2); c.*20G>A (NM_001146283.2, NM_001146284.2, NM_001146286.2 and 4 more transcripts); c.1422G>A, p.Pro474= (NM_001146285.2, NM_001198526.2); c.*130G>A (NM_001198525.2); c.*118G>A (NM_001198527.2, NM_001198528.2, NM_001349870.2 and 1 more transcripts); c.1473G>A, p.Pro491= (NM_030756.5).
Identifiers: ClinVar variation 3025050 (VCV003025050.22), dbSNP rs771614599, ClinGen allele CA5693277.

ClinVar aggregate classification (germline): Likely benign (1 of 4 stars; one submission).

Allele frequency attached by ClinVar (database versions not stated): ExAC 0.00002; gnomAD exomes 0.00002; gnomAD 0.00003.
gnomAD v4.1: 20 of 1,096,326 alleles (0.0018%); highest among the groups gnomAD compares: Non-Finnish European, 0.0023%; no homozygotes.

Submission:

CeGaT Center for Human Genetics Tuebingen
Classification: Likely benign. Last evaluated: 2024-02-01. Review status: criteria provided, single submitter. Criteria: CeGaT Center For Human Genetics Tuebingen Variant Classification Criteria Version 2. Collection method: clinical testing. Allele origin: germline. Affected: yes. Observed: 1 variant allele.
Comment: TCF7L2: BP4, BP7